The following is an entry in ClinVar:

NM_000702.4(ATP1A2):c.2870A>C (p.Glu957Ala)

Gene: ATP1A2 (ATPase Na+/K+ transporting subunit alpha 2; plus strand). Cytogenetic location: 1q23.2.
Variant type: single nucleotide variant.
Coding change: c.2870A>C on transcript NM_000702.4 (MANE Select); coding-DNA position 2870, A replaced by C.
Protein change: p.Glu957Ala; replaces glutamic acid 957 with alanine.
Molecular consequence: missense variant.
Genome position (GRCh38, 1-based): chr1:160,139,669, A>C. VCF-style: chr1-160139669-A-C. GRCh37 (hg19) VCF-style: chr1-160109459-A-C.
Other names: short protein forms E957A.
Identifiers: ClinVar variation 956500 (VCV000956500.9), dbSNP rs1652069991, ClinGen allele CA343255113.

ClinVar aggregate classification (germline): Uncertain significance (1 of 4 stars; one submission).

Conditions:
Familial hemiplegic migraine. Identifiers: MedGen C0338484, MONDO:0000700.

Submission:

Labcorp Genetics (formerly Invitae), Labcorp
Classification: Uncertain significance for Familial hemiplegic migraine. Last evaluated: 2019-09-01. Review status: criteria provided, single submitter. Criteria: Invitae Variant Classification Sherloc (09022015). Collection method: clinical testing. Allele origin: germline.
Comment: This sequence change replaces glutamic acid with alanine at codon 957 of the ATP1A2 protein (p.Glu957Ala). The glutamic acid residue is highly conserved and there is a moderate physicochemical difference between glutamic acid and alanine. This variant is not present in population databases (ExAC no frequency). This variant has not been reported in the literature in individuals with ATP1A2-related conditions. Algorithms developed to predict the effect of missense changes on protein structure and function are either unavailable or do not agree on the potential impact of this missense change (SIFT: "Deleterious"; PolyPhen-2: "Benign"; Align-GVGD: "Class C65"). In summary, the available evidence is currently insufficient to determine the role of this variant in disease. Therefore, it has been classified as a Variant of Uncertain Significance.